The following is an entry in ClinVar:

NM_001572.5(IRF7):c.508G>C (p.Gly170Arg)

Gene: IRF7 (interferon regulatory factor 7; minus strand). Cytogenetic location: 11p15.5.
Variant type: single nucleotide variant.
Coding change: c.508G>C on transcript NM_001572.5 (MANE Select); coding-DNA position 508, G replaced by C.
Protein change: p.Gly170Arg; replaces glycine 170 with arginine.
Molecular consequence: missense variant.
Genome position (GRCh38, 1-based): chr11:614,345, C>G on the plus strand (G>C on the coding strand, the complement: IRF7 is on the minus strand). VCF-style: chr11-614345-C-G. GRCh37 (hg19) VCF-style: chr11-614345-C-G.
Other names: c.508G>C, p.Gly170Arg (NM_004029.4); c.547G>C, p.Gly183Arg (NM_004031.4); short protein forms G170R, G183R.
Identifiers: ClinVar variation 2802521 (VCV002802521.3), dbSNP rs537691171, ClinGen allele CA5783923.

ClinVar aggregate classification (germline): Uncertain significance (1 of 4 stars; one submission).

Conditions:
Immunodeficiency 39 (IMD39). Identifiers: Orphanet 574918, MedGen C4225358, MONDO:0014597, OMIM 616345.

Allele frequency attached by ClinVar (database versions not stated): gnomAD exomes below 0.00001; ExAC 0.00001; gnomAD 0.00001; TOPMed 0.00002; 1000 Genomes Project 30x 0.00016; 1000 Genomes Project 0.00020.

Submission:

Labcorp Genetics (formerly Invitae), Labcorp
Classification: Uncertain significance for Immunodeficiency 39. Last evaluated: 2023-11-03. Review status: criteria provided, single submitter. Criteria: Invitae Variant Classification Sherloc (09022015). Collection method: clinical testing. Allele origin: germline.
Comment: This sequence change replaces glycine, which is neutral and non-polar, with arginine, which is basic and polar, at codon 183 of the IRF7 protein (p.Gly183Arg). This variant is present in population databases (rs537691171, gnomAD 0.006%). This variant has not been reported in the literature in individuals affected with IRF7-related conditions. Advanced modeling of protein sequence and biophysical properties (such as structural, functional, and spatial information, amino acid conservation, physicochemical variation, residue mobility, and thermodynamic stability) performed at Invitae indicates that this missense variant is not expected to disrupt IRF7 protein function with a negative predictive value of 80%. In summary, the available evidence is currently insufficient to determine the role of this variant in disease. Therefore, it has been classified as a Variant of Uncertain Significance.